The following is an entry in ClinVar:

NM_005138.3(SCO2):c.706C>T (p.Leu236Phe)

Genes: NCAPH2 (non-SMC condensin II complex subunit H2; plus strand), SCO2 (synthesis of cytochrome C oxidase 2; minus strand). Cytogenetic location: 22q13.33.
Variant type: single nucleotide variant.
Coding change: c.706C>T on transcript NM_005138.3 (MANE Select); coding-DNA position 706, C replaced by T.
Protein change: p.Leu236Phe; replaces leucine 236 with phenylalanine.
Molecular consequence: missense variant. On other transcripts: 3 prime UTR variant (2).
Genome position (GRCh38, 1-based): chr22:50,523,706, G>A on the plus strand (C>T on the coding strand, the complement: SCO2 is on the minus strand). VCF-style: chr22-50523706-G-A. GRCh37 (hg19) VCF-style: chr22-50962135-G-A.
Other names: c.*331G>A (NM_001185011.2, NM_152299.4); c.706C>T, p.Leu236Phe (NM_001169109.2, NM_001169110.1, NM_001169111.2); short protein forms L236F.
Identifiers: ClinVar variation 4989280 (VCV004989280.1).

ClinVar aggregate classification (germline): Uncertain significance (1 of 4 stars; one submission).

Conditions:
SCO2-related disorder. Also called: SCO2-related condition.

gnomAD v4.1: 3 of 1,614,082 alleles (0.00019%); highest among the groups gnomAD compares: African/African-American, 0.004%; no homozygotes.

Submission:

PreventionGenetics, part of Exact Sciences
Classification: Uncertain significance for SCO2-related condition. Last evaluated: 2026-09-10. Review status: criteria provided, single submitter. Criteria: ACMG Guidelines, 2015. Collection method: clinical testing. Allele origin: germline.
Comment: The SCO2 c.706C>T variant is predicted to result in the amino acid substitution p.Leu236Phe. To our knowledge, this variant has not been reported in the literature or in a large population database (gnomAD), indicating this variant is rare. At this time, the clinical significance of this variant is uncertain due to the absence of conclusive functional and genetic evidence.